The following is an entry in ClinVar:

NM_003159.3(CDKL5):c.2797+14C>T

Genes: CDKL5 (cyclin dependent kinase like 5; plus strand), RS1 (retinoschisin 1; minus strand). Cytogenetic location: Xp22.13.
Variant type: single nucleotide variant.
Coding change: c.2797+14C>T on transcript NM_003159.3; 14 bases into the intron after coding-DNA position 2797, C replaced by T.
Molecular consequence: intron variant.
Genome position (GRCh38, 1-based): chrX:18,646,104, C>T. VCF-style: chrX-18646104-C-T. GRCh37 (hg19) VCF-style: chrX-18664224-C-T.
Other names: c.2797+14C>T (NM_001037343.2); c.326+1087G>A (NM_000330.4).
Identifiers: ClinVar variation 377649 (VCV000377649.3), dbSNP rs1057520263, ClinGen allele CA16608800.

ClinVar aggregate classification (germline): Likely benign (1 of 4 stars; one submission).

Submission:

GeneDx
Classification: Likely benign. Last evaluated: 2016-08-04. Review status: criteria provided, single submitter. Criteria: GeneDx Variant Classification (06012015). Collection method: clinical testing. Allele origin: germline. Affected: yes.
Comment: This variant is considered likely benign or benign based on one or more of the following criteria: it is a conservative change, it occurs at a poorly conserved position in the protein, it is predicted to be benign by multiple in silico algorithms, and/or has population frequency not consistent with disease.